The following is an entry in ClinVar:

NC_012920.1(MT-ND5):m.12362C>T

Gene: MT-ND5 (mitochondrially encoded NADH dehydrogenase 5; plus strand).
Variant type: single nucleotide variant.
Genome position: chrM-12362-C-T.
Identifiers: ClinVar variation 693426 (VCV000693426.1), dbSNP rs1603223688, ClinGen allele CA414812824.
Genomic context (GRCh38, chrMT:12,362, plus strand): 5'-CCCCAAAAATTTTGGTGCAACTCCAAATAAAAGTAATAACCATGCACACTACTATAACCA[C>T]CCTAACCCTGACTTCCCTAATTCCCCCCATCCTTACCACCCTCGTTAACCCTAACAAAAA-3'

ClinVar aggregate classification (germline): Benign (1 of 4 stars; one submission).

Conditions:
Leigh syndrome (NULS). Also called: Leigh's necrotizing encephalopathy; Leigh's disease; Leigh Syndrome (mtDNA deletion); Leigh Disease; Subacute necrotizing encephalopathy; Necrotizing encephalopathy infantile subacute of Leigh. Identifiers: Orphanet 506, MedGen C2931891, MONDO:0009723, OMIM 256000.

Submission:

Wong Mito Lab, Molecular and Human Genetics, Baylor College of Medicine
Classification: Benign for Leigh syndrome. Last evaluated: 2019-10-17. Review status: criteria provided, single submitter. Criteria: Modified ACMG Guidelines (Unpublished). Collection method: clinical testing. Allele origin: germline.
Comment: The NC_012920.1:m.12362C>T (YP_003024036.1:p.Thr9Ile) variant in MTND5 gene is interpretated to be a Benign variant based on the modified ACMG guidelines (unpublished). This variant meets the following evidence codes: BS1, BS2, BP4

Literature cited by the submitters: PubMed 27422531.